The following is an entry in ClinVar:

ClinVar aggregate classification (germline): Uncertain significance. Review status: criteria provided, multiple submitters, no conflicts (2 of 4 stars). 2 submissions from 2 submitters: Uncertain significance (2). Last evaluated 2022-08-05.

Conditions:
Spastic paraplegia. Identifiers: MedGen C0037772, HP:0001258.

Allele frequency attached by ClinVar (database versions not stated): gnomAD 0.00001.

Submissions (2):

Labcorp Genetics (formerly Invitae), Labcorp
Classification: Uncertain significance for Spastic paraplegia. Last evaluated: 2022-08-05. Review status: criteria provided, single submitter. Criteria: Invitae Variant Classification Sherloc (09022015). Collection method: clinical testing. Allele origin: germline.
Comment: This sequence change replaces proline, which is neutral and non-polar, with leucine, which is neutral and non-polar, at codon 2455 of the ZFYVE26 protein (p.Pro2455Leu). The frequency data for this variant in the population databases is considered unreliable, as metrics indicate poor data quality at this position in the gnomAD database. This variant has not been reported in the literature in individuals affected with ZFYVE26-related conditions. Algorithms developed to predict the effect of missense changes on protein structure and function are either unavailable or do not agree on the potential impact of this missense change (SIFT: "Deleterious"; PolyPhen-2: "Possibly Damaging"; Align-GVGD: "Class C0"). In summary, the available evidence is currently insufficient to determine the role of this variant in disease. Therefore, it has been classified as a Variant of Uncertain Significance.

GeneDx
Classification: Uncertain significance. Last evaluated: 2022-02-22. Review status: criteria provided, single submitter. Criteria: GeneDx Variant Classification Process June 2021. Collection method: clinical testing. Allele origin: germline. Affected: yes.
Comment: Not observed at significant frequency in large population cohorts (gnomAD); In silico analysis supports that this missense variant has a deleterious effect on protein structure/function; Has not been previously published as pathogenic or benign to our knowledge

NM_015346.4(ZFYVE26):c.7364C>T (p.Pro2455Leu)

Gene: ZFYVE26 (zinc finger FYVE-type containing 26; minus strand). Cytogenetic location: 14q24.1.
Variant type: single nucleotide variant.
Coding change: c.7364C>T on transcript NM_015346.4 (MANE Select); coding-DNA position 7364, C replaced by T.
Protein change: p.Pro2455Leu; replaces proline 2455 with leucine.
Molecular consequence: missense variant.
Genome position (GRCh38, 1-based): chr14:67,752,351, G>A on the plus strand (C>T on the coding strand, the complement: ZFYVE26 is on the minus strand). VCF-style: chr14-67752351-G-A. GRCh37 (hg19) VCF-style: chr14-68219068-G-A.
Other names: short protein forms P2455L.
Identifiers: ClinVar variation 1702789 (VCV001702789.4), dbSNP rs751465927, ClinGen allele CA7238997.